The following is an entry in ClinVar:

NC_000019.9:g.(?_33439152)_(33457392_?)del

Gene: CEP89 (centrosomal protein 89; minus strand). Cytogenetic location: 19q13.11.
Variant type: Deletion.
Identifiers: ClinVar variation 2427073 (VCV002427073.4).

ClinVar aggregate classification (germline): Uncertain significance (1 of 4 stars; one submission).

Submission:

Labcorp Genetics (formerly Invitae), Labcorp
Classification: Uncertain significance. Last evaluated: 2023-07-07. Review status: criteria provided, single submitter. Criteria: Invitae Variant Classification Sherloc (09022015). Collection method: clinical testing. Allele origin: germline.
Comment: In summary, the available evidence is currently insufficient to determine the role of this variant in disease. Therefore, it has been classified as a Variant of Uncertain Significance. This variant has not been reported in the literature in individuals affected with CEP89-related conditions. This variant is a gross deletion of the genomic region encompassing exon(s) 2-5 of the CEP89 gene. This deletion is out-of-frame, and is expected to create a premature translational stop signal and result in an absent or disrupted protein product. However, the current clinical and genetic evidence is not sufficient to establish whether loss-of-function variants in CEP89 cause disease.